The following is an entry in ClinVar:

NM_004655.4(AXIN2):c.1502G>T (p.Gly501Val)

Gene: AXIN2 (axin 2; minus strand). Cytogenetic location: 17q24.1.
Variant type: single nucleotide variant.
Coding change: c.1502G>T on transcript NM_004655.4 (MANE Select); coding-DNA position 1502, G replaced by T.
Protein change: p.Gly501Val; replaces glycine 501 with valine.
Molecular consequence: missense variant.
Genome position (GRCh38, 1-based): chr17:65,537,534, C>A on the plus strand (G>T on the coding strand, the complement: AXIN2 is on the minus strand). VCF-style: chr17-65537534-C-A. GRCh37 (hg19) VCF-style: chr17-63533652-C-A.
Other names: c.1502G>T, p.Gly501Val (NM_001363813.1); short protein forms G501V.
Identifiers: ClinVar variation 1020007 (VCV001020007.14), dbSNP rs779029020, ClinGen allele CA400677381.

ClinVar aggregate classification (germline): Uncertain significance. Review status: criteria provided, multiple submitters, no conflicts (2 of 4 stars). 4 submissions from 4 submitters: Uncertain significance (4). Last evaluated 2026-01-13.

Conditions:
Hereditary cancer-predisposing syndrome. Also called: Tumor predisposition; Neoplastic Syndromes, Hereditary; Hereditary neoplastic syndrome; Hereditary Cancer Syndrome. Identifiers: Orphanet 140162, MedGen C0027672, MeSH D009386, MONDO:0015356.
Oligodontia-cancer predisposition syndrome. Also called: TOOTH AGENESIS-COLORECTAL CANCER SYNDROME. Identifiers: Orphanet 300576, MedGen C1837750, MONDO:0012075, OMIM 608615. Disease mechanism: loss of function.

Allele frequency attached by ClinVar (database versions not stated): TOPMed 0.00001; gnomAD 0.00001.
gnomAD v4.1: 9 of 1,613,390 alleles (0.00056%); highest among the groups gnomAD compares: African/African-American, 0.012%; 1 homozygote.

Submissions (4):

Labcorp Genetics (formerly Invitae), Labcorp
Classification: Uncertain significance for Oligodontia-cancer predisposition syndrome. Last evaluated: 2026-01-13. Review status: criteria provided, single submitter. Criteria: Invitae Variant Classification Sherloc (09022015). Collection method: clinical testing. Allele origin: germline.
Comment: This sequence change replaces glycine, which is neutral and non-polar, with valine, which is neutral and non-polar, at codon 501 of the AXIN2 protein (p.Gly501Val). This variant is present in population databases (no rsID available, gnomAD 0.007%). This variant has not been reported in the literature in individuals affected with AXIN2-related conditions. ClinVar contains an entry for this variant (Variation ID: 1020007). An algorithm developed to predict the effect of missense changes on protein structure and function (PolyPhen-2) suggests that this variant is likely to be tolerated. In summary, the available evidence is currently insufficient to determine the role of this variant in disease. Therefore, it has been classified as a Variant of Uncertain Significance.

Ambry Genetics
Classification: Uncertain significance for Hereditary cancer-predisposing syndrome. Last evaluated: 2025-10-15. Review status: criteria provided, single submitter. Criteria: Ambry Variant Classification Scheme 2023. Collection method: clinical testing. Allele origin: germline.

Sema4
Classification: Uncertain significance for Hereditary cancer-predisposing syndrome. Last evaluated: 2021-10-27. Review status: criteria provided, single submitter. Criteria: Sema4 Curation Guidelines. Collection method: curation. Allele origin: germline.
Comment: The AXIN2 c.1502G>T (p.G501V) variant has not been reported in the literature to our knowledge. It was observed in 1/16124 chromosomes in the African/African American population according to the Genome Aggregation Database (PMID: 32461654). This variant has been reported in ClinVar (Variation ID: 1020007). Functional studies have not been performed, and in silico predictions of the variant's effect on protein function are inconclusive. The evidence is insufficient to meet ACMG/AMP criteria for classifying the variant as benign or pathogenic. Thus, the clinical significance of this variant is currently uncertain.

GeneDx
Classification: Uncertain significance. Last evaluated: 2019-07-12. Review status: criteria provided, single submitter. Criteria: GeneDx Variant Classification Process June 2021. Collection method: clinical testing. Allele origin: germline. Affected: yes.
Comment: Not observed at a significant frequency in large population cohorts (Lek et al., 2016); In silico analysis, which includes protein predictors and evolutionary conservation, supports that this variant does not alter protein structure/function; Has not been previously published as pathogenic or benign to our knowledge